The following is an entry in ClinVar:

ClinVar aggregate classification (germline): Uncertain significance. Review status: criteria provided, multiple submitters, no conflicts (2 of 4 stars). 2 submissions from 2 submitters: Uncertain significance (2). Last evaluated 2024-05-22.

Conditions:
Seckel syndrome 1 (SCKL1). Also called: MICROCEPHALIC PRIMORDIAL DWARFISM I. Identifiers: Orphanet 808, MedGen C4551474, MONDO:0008869, OMIM 210600.
Familial cutaneous telangiectasia and oropharyngeal predisposition cancer syndrome. Identifiers: Orphanet 313846, MedGen C3281203, MONDO:0013806, OMIM 614564.

Allele frequency attached by ClinVar (database versions not stated): TOPMed 0.00005; gnomAD 0.00006; gnomAD exomes 0.00012 and 0.00025; ExAC 0.00017.
gnomAD v4.1: 358 of 1,614,002 alleles (0.022%); highest among the groups gnomAD compares: Non-Finnish European, 0.029%; no homozygotes.

Submissions (2):

Fulgent Genetics
Classification: Uncertain significance for Seckel syndrome 1; Familial cutaneous telangiectasia and oropharyngeal predisposition cancer syndrome. Last evaluated: 2024-05-22. Review status: criteria provided, single submitter. Criteria: ACMG Guidelines, 2015. Collection method: clinical testing. Allele origin: germline.

Labcorp Genetics (formerly Invitae), Labcorp
Classification: Uncertain significance. Last evaluated: 2023-08-22. Review status: criteria provided, single submitter. Criteria: Invitae Variant Classification Sherloc (09022015). Collection method: clinical testing. Allele origin: germline.
Comment: This sequence change replaces glutamic acid, which is acidic and polar, with glycine, which is neutral and non-polar, at codon 254 of the ATR protein (p.Glu254Gly). In summary, the available evidence is currently insufficient to determine the role of this variant in disease. Therefore, it has been classified as a Variant of Uncertain Significance. An algorithm developed to predict the effect of missense changes on protein structure and function (PolyPhen-2) suggests that this variant¬†is likely to be tolerated. ClinVar contains an entry for this variant (Variation ID: 841762). This missense change has been observed in individual(s) with breast cancer (PMID: 15987455). This variant is present in population databases (rs35648400, gnomAD 0.02%).

Literature cited by the submitters: PubMed 15987455 (cited by Labcorp Genetics (formerly Invitae), Labcorp).

NM_001184.4(ATR):c.761A>G (p.Glu254Gly)

Gene: ATR (ATR checkpoint kinase; minus strand). Cytogenetic location: 3q23.
Variant type: single nucleotide variant.
Coding change: c.761A>G on transcript NM_001184.4 (MANE Select); coding-DNA position 761, A replaced by G.
Protein change: p.Glu254Gly; replaces glutamic acid 254 with glycine.
Molecular consequence: missense variant.
Genome position (GRCh38, 1-based): chr3:142,562,641, T>C on the plus strand (A>G on the coding strand, the complement: ATR is on the minus strand). VCF-style: chr3-142562641-T-C. GRCh37 (hg19) VCF-style: chr3-142281483-T-C.
Other names: c.761A>G, p.Glu254Gly (NM_001354579.2); short protein forms E254G.
Identifiers: ClinVar variation 841762 (VCV000841762.6), dbSNP rs35648400, ClinGen allele CA2650727.